The following is an entry in ClinVar:

NM_001356.5(DDX3X):c.1922G>A (p.Gly641Asp)

Gene: DDX3X (DEAD-box helicase 3 X-linked; plus strand). Cytogenetic location: Xp11.4.
Variant type: single nucleotide variant.
Coding change: c.1922G>A on transcript NM_001356.5 (MANE Select); coding-DNA position 1922, G replaced by A.
Protein change: p.Gly641Asp; replaces glycine 641 with aspartic acid.
Molecular consequence: missense variant. On other transcripts: non-coding transcript variant (1).
Genome position (GRCh38, 1-based): chrX:41,347,652, G>A. VCF-style: chrX-41347652-G-A. GRCh37 (hg19) VCF-style: chrX-41206905-G-A.
Other names: c.1919G>A, p.Gly640Asp (NM_001193416.3); c.1874G>A, p.Gly625Asp (NM_001193417.3); c.1361G>A, p.Gly454Asp (NM_001363819.1); short protein forms G454D, G625D, G640D, G641D.
Identifiers: ClinVar variation 1709134 (VCV001709134.2), dbSNP rs2519528911, ClinGen allele CA412780733.

ClinVar aggregate classification (germline): Uncertain significance (1 of 4 stars; one submission).

Conditions:
Intellectual disability, X-linked 102 (MRXSSB). Also called: Intellectual developmental disorder, X-linked syndromic, Snijders Blok type. Identifiers: Orphanet 457260, MedGen C5393299, MONDO:0010497, OMIM 300958.

Submission:

MGZ Medical Genetics Center
Classification: Uncertain significance for Intellectual disability, X-linked 102. Last evaluated: 2022-02-17. Review status: criteria provided, single submitter. Criteria: ACMG Guidelines, 2015. Collection method: clinical testing. Allele origin: germline. Affected: yes. Observed: 1 variant allele.
Comment: ACMG criteria applied: PM2_SUP